The following is an entry in ClinVar:

ClinVar aggregate classification (germline): Uncertain significance (1 of 4 stars; one submission).

Submission:

Labcorp Genetics (formerly Invitae), Labcorp
Classification: Uncertain significance. Last evaluated: 2022-03-11. Review status: criteria provided, single submitter. Criteria: Invitae Variant Classification Sherloc (09022015). Collection method: clinical testing. Allele origin: germline.
Comment: This sequence change replaces valine, which is neutral and non-polar, with alanine, which is neutral and non-polar, at codon 619 of the CACNA2D4 protein (p.Val619Ala). In summary, the available evidence is currently insufficient to determine the role of this variant in disease. Therefore, it has been classified as a Variant of Uncertain Significance. This variant is not present in population databases (gnomAD no frequency). This variant has not been reported in the literature in individuals affected with CACNA2D4-related conditions. Algorithms developed to predict the effect of missense changes on protein structure and function are either unavailable or do not agree on the potential impact of this missense change (SIFT: "Deleterious"; PolyPhen-2: "Benign"; Align-GVGD: "Class C0").

NM_172364.5(CACNA2D4):c.1856T>C (p.Val619Ala)

Gene: CACNA2D4 (calcium voltage-gated channel auxiliary subunit alpha2delta 4; minus strand). Cytogenetic location: 12p13.33.
Variant type: single nucleotide variant.
Coding change: c.1856T>C on transcript NM_172364.5 (MANE Select); coding-DNA position 1856, T replaced by C.
Protein change: p.Val619Ala; replaces valine 619 with alanine.
Molecular consequence: missense variant.
Genome position (GRCh38, 1-based): chr12:1,874,626, A>G on the plus strand (T>C on the coding strand, the complement: CACNA2D4 is on the minus strand). VCF-style: chr12-1874626-A-G. GRCh37 (hg19) VCF-style: chr12-1983792-A-G.
Other names: short protein forms V619A.
Identifiers: ClinVar variation 2109256 (VCV002109256.4), dbSNP rs2497201862, ClinGen allele CA383350839.